The following is an entry in ClinVar:

NM_005477.3(HCN4):c.110C>A (p.Ala37Asp)

Gene: HCN4 (hyperpolarization activated cyclic nucleotide gated potassium channel 4; minus strand). Cytogenetic location: 15q24.1.
Variant type: single nucleotide variant.
Coding change: c.110C>A on transcript NM_005477.3 (MANE Select); coding-DNA position 110, C replaced by A.
Protein change: p.Ala37Asp; replaces alanine 37 with aspartic acid.
Molecular consequence: missense variant.
Genome position (GRCh38, 1-based): chr15:73,368,161, G>T on the plus strand (C>A on the coding strand, the complement: HCN4 is on the minus strand). VCF-style: chr15-73368161-G-T. GRCh37 (hg19) VCF-style: chr15-73660502-G-T.
Other names: short protein forms A37D.
Identifiers: ClinVar variation 2432392 (VCV002432392.6), dbSNP rs2043138879, ClinGen allele CA393099000.

ClinVar aggregate classification (germline): Uncertain significance. Review status: criteria provided, multiple submitters, no conflicts (2 of 4 stars). 2 submissions from 2 submitters: Uncertain significance (2). Last evaluated 2023-09-18.

Conditions:
Brugada syndrome 8 (BRGDA8). Identifiers: Orphanet 130, MedGen C2751083, MONDO:0013148, OMIM 613123.

Allele frequency attached by ClinVar (database versions not stated): TOPMed 0.00001.

Submissions (2):

Labcorp Genetics (formerly Invitae), Labcorp
Classification: Uncertain significance for Brugada syndrome 8. Last evaluated: 2023-09-18. Review status: criteria provided, single submitter. Criteria: Invitae Variant Classification Sherloc (09022015). Collection method: clinical testing. Allele origin: germline.
Comment: ClinVar contains an entry for this variant (Variation ID: 2432392). This variant has not been reported in the literature in individuals affected with HCN4-related conditions. This variant is not present in population databases (gnomAD no frequency). This sequence change replaces alanine, which is neutral and non-polar, with aspartic acid, which is acidic and polar, at codon 37 of the HCN4 protein (p.Ala37Asp). Advanced modeling of protein sequence and biophysical properties (such as structural, functional, and spatial information, amino acid conservation, physicochemical variation, residue mobility, and thermodynamic stability) performed at Invitae indicates that this missense variant is not expected to disrupt HCN4 protein function. In summary, the available evidence is currently insufficient to determine the role of this variant in disease. Therefore, it has been classified as a Variant of Uncertain Significance.

Revvity Omics, Revvity
Classification: Uncertain significance. Last evaluated: 2021-11-15. Review status: criteria provided, single submitter. Criteria: ACMG Guidelines, 2015. Collection method: clinical testing. Allele origin: germline.